The following is an entry in ClinVar:

NM_002485.5(NBN):c.335C>G (p.Pro112Arg)

Gene: NBN (nibrin; minus strand). Cytogenetic location: 8q21.3.
Variant type: single nucleotide variant.
Coding change: c.335C>G on transcript NM_002485.5 (MANE Select); coding-DNA position 335, C replaced by G.
Protein change: p.Pro112Arg; replaces proline 112 with arginine.
Molecular consequence: missense variant.
Genome position (GRCh38, 1-based): chr8:89,980,879, G>C on the plus strand (C>G on the coding strand, the complement: NBN is on the minus strand). VCF-style: chr8-89980879-G-C. GRCh37 (hg19) VCF-style: chr8-90993107-G-C.
Other names: c.89C>G, p.Pro30Arg (NM_001024688.3); short protein forms P112R, P30R.
Identifiers: ClinVar variation 411791 (VCV000411791.15), dbSNP rs759723870, ClinGen allele CA4802996.
Genomic context (GRCh38, chr8:89,980,879, plus strand): 5'-ATAGCTTGATTTAAAGCAGTTTTCCCAGAGACATCTAAACAAGAAGAGCATGCAACCAAA[G>C]GCTCATACTCTATTCTGTAAATGAGAATAAGTTAAATAAAGTCATAGTATCAGAGTTGCA-3'
Protein context (NP_002476.2, residues 102-122): FGSKFRIEYE[Pro112Arg]LVACSSCLDV

ClinVar aggregate classification (germline): Uncertain significance. Review status: criteria provided, multiple submitters, no conflicts (2 of 4 stars). 6 submissions from 6 submitters: Uncertain significance (6). Last evaluated 2024-06-25.

Conditions:
Hereditary cancer-predisposing syndrome. Also called: Neoplastic Syndromes, Hereditary; Tumor predisposition; Hereditary Cancer Syndrome; Hereditary neoplastic syndrome. Identifiers: Orphanet 140162, MedGen C0027672, MeSH D009386, MONDO:0015356.
Aplastic anemia. Identifiers: Orphanet 182040, Orphanet 88, MedGen C0002874, MONDO:0015909, OMIM 609135, HP:0001915.
Microcephaly, normal intelligence and immunodeficiency (NBS). Also called: SEEMANOVA SYNDROME II; Immunodeficiency, microcephaly with normal intelligence; IMMUNODEFICIENCY, MICROCEPHALY, AND CHROMOSOMAL INSTABILITY; Nijmegen breakage syndrome; Microcephaly with normal intelligence immunodeficiency and lymphoreticular malignancies; Nonsyndromal microcephaly autosomal recessive with normal intelligence. Identifiers: Orphanet 647, MedGen C0398791, MONDO:0009623, OMIM 251260.

Allele frequency attached by ClinVar (database versions not stated): gnomAD exomes below 0.00001; ExAC 0.00001.
gnomAD v4.1: 5 of 1,612,548 alleles (0.00031%); highest among the groups gnomAD compares: Non-Finnish European, 0.00042%; no homozygotes.

Submissions (6):

Labcorp Genetics (formerly Invitae), Labcorp
Classification: Uncertain significance for Microcephaly, normal intelligence and immunodeficiency. Last evaluated: 2024-06-25. Review status: criteria provided, single submitter. Criteria: Invitae Variant Classification Sherloc (09022015). Collection method: clinical testing. Allele origin: germline.
Comment: This sequence change replaces proline, which is neutral and non-polar, with arginine, which is basic and polar, at codon 112 of the NBN protein (p.Pro112Arg). This variant is present in population databases (rs759723870, gnomAD 0.0009%). This variant has not been reported in the literature in individuals affected with NBN-related conditions. ClinVar contains an entry for this variant (Variation ID: 411791). Algorithms developed to predict the effect of missense changes on protein structure and function output the following: SIFT: "Not Available"; PolyPhen-2: "Benign"; Align-GVGD: "Not Available". The arginine amino acid residue is found in multiple mammalian species, which suggests that this missense change does not adversely affect protein function. In summary, the available evidence is currently insufficient to determine the role of this variant in disease. Therefore, it has been classified as a Variant of Uncertain Significance.

Baylor Genetics
Classification: Uncertain significance for Aplastic anemia. Last evaluated: 2023-11-09. Review status: criteria provided, single submitter. Criteria: ACMG Guidelines, 2015. Collection method: clinical testing. Allele origin: unknown.

GeneDx
Classification: Uncertain significance. Last evaluated: 2023-01-04. Review status: criteria provided, single submitter. Criteria: GeneDx Variant Classification Process June 2021. Collection method: clinical testing. Allele origin: germline. Affected: yes.
Comment: Not observed at significant frequency in large population cohorts (gnomAD); In silico analysis supports that this missense variant has a deleterious effect on protein structure/function; Has not been previously published as pathogenic or benign to our knowledge; This variant is associated with the following publications: (PMID: 30275468, 24894818)

Ambry Genetics
Classification: Uncertain significance for Hereditary cancer-predisposing syndrome. Last evaluated: 2022-09-19. Review status: criteria provided, single submitter. Criteria: Ambry Variant Classification Scheme 2023. Collection method: clinical testing. Allele origin: germline.
Comment: The p.P112R variant (also known as c.335C>G), located in coding exon 4 of the NBN gene, results from a C to G substitution at nucleotide position 335. The proline at codon 112 is replaced by arginine, an amino acid with dissimilar properties. This amino acid position is well conserved in available vertebrate species. In addition, the in silico prediction for this alteration is inconclusive. Since supporting evidence is limited at this time, the clinical significance of this alteration remains unclear.

Blueprint Genetics
Classification: Uncertain significance. Last evaluated: 2022-03-29. Review status: criteria provided, single submitter. Criteria: ACMG Guidelines, 2015. Collection method: clinical testing. Allele origin: germline.

Genome-Nilou Lab
Classification: Uncertain significance for Microcephaly, normal intelligence and immunodeficiency. Last evaluated: 2021-11-07. Review status: criteria provided, single submitter. Criteria: ACMG Guidelines, 2015. Collection method: clinical testing. Allele origin: germline. Affected: no.